The following is an entry in ClinVar:

ClinVar aggregate classification (germline): Uncertain significance (1 of 4 stars; one submission).

Conditions:
Hereditary cancer-predisposing syndrome. Also called: Tumor predisposition; Hereditary Cancer Syndrome; Hereditary neoplastic syndrome; Neoplastic Syndromes, Hereditary. Identifiers: Orphanet 140162, MedGen C0027672, MeSH D009386, MONDO:0015356.

Submission:

Ambry Genetics
Classification: Uncertain significance for Hereditary cancer-predisposing syndrome. Last evaluated: 2024-05-09. Review status: criteria provided, single submitter. Criteria: Ambry Variant Classification Scheme 2023. Collection method: clinical testing. Allele origin: germline.
Comment: The p.A15V variant (also known as c.44C>T), located in coding exon 1 of the EPCAM gene, results from a C to T substitution at nucleotide position 44. The alanine at codon 15 is replaced by valine, an amino acid with similar properties. This amino acid position is conserved. In addition, this alteration is predicted to be tolerated by in silico analysis. Based on the available evidence, the clinical significance of this variant remains unclear.

NM_002354.3(EPCAM):c.44C>T (p.Ala15Val)

Gene: EPCAM (epithelial cell adhesion molecule; plus strand). Cytogenetic location: 2p21.
Variant type: single nucleotide variant.
Coding change: c.44C>T on transcript NM_002354.3 (MANE Select); coding-DNA position 44, C replaced by T.
Protein change: p.Ala15Val; replaces alanine 15 with valine.
Molecular consequence: missense variant.
Genome position (GRCh38, 1-based): chr2:47,369,549, C>T. VCF-style: chr2-47369549-C-T. GRCh37 (hg19) VCF-style: chr2-47596688-C-T.
Other names: short protein forms A15V.
Identifiers: ClinVar variation 3275827 (VCV003275827.1).